The following is an entry in ClinVar:

ClinVar aggregate classification (germline): Uncertain significance (1 of 4 stars; one submission).

Submission:

Women's Health and Genetics/Laboratory Corporation of America, LabCorp
Classification: Uncertain significance. Last evaluated: 2022-10-28. Review status: criteria provided, single submitter. Criteria: LabCorp Variant Classification Summary - May 2015. Collection method: clinical testing. Allele origin: germline.
Comment: Variant summary: CSNK2B c.558-11C>T alters a nucleotide located close to a canonical splice site and therefore could affect mRNA splicing, leading to a significantly altered protein sequence. 4/4 computational tools predict no significant impact on normal splicing. However, these predictions have yet to be confirmed by functional studies. The variant was absent in 232890 control chromosomes. The available data on variant occurrences in the general population are insufficient to allow any conclusion about variant significance. To our knowledge, no occurrence of c.558-11C>T in individuals affected with Poirier-Bienvenu Neurodevelopmental Syndrome and no experimental evidence demonstrating its impact on protein function have been reported. No clinical diagnostic laboratories have submitted clinical-significance assessments for this variant to ClinVar after 2014. Based on the evidence outlined above, the variant was classified as uncertain significance.

NM_001320.7(CSNK2B):c.558-11C>T

Gene: CSNK2B (casein kinase 2 beta; plus strand). Cytogenetic location: 6p21.33.
Variant type: single nucleotide variant.
Coding change: c.558-11C>T on transcript NM_001320.7 (MANE Select); 11 bases into the intron before coding-DNA position 558, C replaced by T.
Molecular consequence: intron variant.
Genome position (GRCh38, 1-based): chr6:31,669,825, C>T. VCF-style: chr6-31669825-C-T. GRCh37 (hg19) VCF-style: chr6-31637602-C-T.
Other names: c.549-11C>T (NM_001282385.2).
Identifiers: ClinVar variation 1723405 (VCV001723405.1), dbSNP rs2536970792, ClinGen allele CA2580074266.